The following is an entry in ClinVar:

NM_015072.5(TTLL5):c.3096A>T (p.Glu1032Asp)

Gene: TTLL5 (tubulin tyrosine ligase like 5; plus strand). Cytogenetic location: 14q24.3.
Variant type: single nucleotide variant.
Coding change: c.3096A>T on transcript NM_015072.5 (MANE Select); coding-DNA position 3096, A replaced by T.
Protein change: p.Glu1032Asp; replaces glutamic acid 1032 with aspartic acid.
Molecular consequence: missense variant.
Genome position (GRCh38, 1-based): chr14:75,793,025, A>T. VCF-style: chr14-75793025-A-T. GRCh37 (hg19) VCF-style: chr14-76259368-A-T.
Other names: short protein forms E1032D.
Identifiers: ClinVar variation 1486040 (VCV001486040.8), dbSNP rs1396679992, ClinGen allele CA390473393.

ClinVar aggregate classification (germline): Uncertain significance (1 of 4 stars; one submission).

Allele frequency attached by ClinVar (database versions not stated): gnomAD exomes below 0.00001; TOPMed 0.00001.
gnomAD v4.1: 1 of 1,613,806 alleles (0.000062%); highest among the groups gnomAD compares: Admixed American, 0.0017%; no homozygotes.

Submission:

Labcorp Genetics (formerly Invitae), Labcorp
Classification: Uncertain significance. Last evaluated: 2021-06-24. Review status: criteria provided, single submitter. Criteria: Invitae Variant Classification Sherloc (09022015). Collection method: clinical testing. Allele origin: germline.
Comment: In summary, the available evidence is currently insufficient to determine the role of this variant in disease. Therefore, it has been classified as a Variant of Uncertain Significance. Algorithms developed to predict the effect of missense changes on protein structure and function are either unavailable or do not agree on the potential impact of this missense change (SIFT: "Tolerated"; PolyPhen-2: "Probably Damaging"; Align-GVGD: "Class C0"). This variant has not been reported in the literature in individuals affected with TTLL5-related conditions. This variant is not present in population databases (ExAC no frequency). This sequence change replaces glutamic acid with aspartic acid at codon 1032 of the TTLL5 protein (p.Glu1032Asp). The glutamic acid residue is moderately conserved and there is a small physicochemical difference between glutamic acid and aspartic acid.